The following is an entry in ClinVar:

NM_201384.3(PLEC):c.10183A>G (p.Thr3395Ala)

Gene: PLEC (plectin; minus strand). Cytogenetic location: 8q24.3.
Variant type: single nucleotide variant.
Coding change: c.10183A>G on transcript NM_201384.3 (MANE Select); coding-DNA position 10183, A replaced by G.
Protein change: p.Thr3395Ala; replaces threonine 3395 with alanine.
Molecular consequence: missense variant.
Genome position (GRCh38, 1-based): chr8:143,919,638, T>C on the plus strand (A>G on the coding strand, the complement: PLEC is on the minus strand). VCF-style: chr8-143919638-T-C. GRCh37 (hg19) VCF-style: chr8-144993806-T-C.
Other names: c.10264A>G, p.Thr3422Ala (NM_000445.5); c.6883A>G, p.Thr2295Ala (NM_001410941.1); c.10141A>G, p.Thr3381Ala (NM_201378.4); c.10117A>G, p.Thr3373Ala (NM_201379.3); c.10594A>G, p.Thr3532Ala (NM_201380.4); c.10087A>G, p.Thr3363Ala (NM_201381.3); c.10183A>G, p.Thr3395Ala (NM_201382.4); c.10195A>G, p.Thr3399Ala (NM_201383.3); short protein forms T3395A, T2295A, T3532A, T3363A, T3422A, T3373A, T3381A, T3399A.
Identifiers: ClinVar variation 2096382 (VCV002096382.4), dbSNP rs113792813, ClinGen allele CA4924727.

ClinVar aggregate classification (germline): Uncertain significance (1 of 4 stars; one submission).

Conditions:
Epidermolysis bullosa simplex 5C, with pyloric atresia (EBS5C). Also called: PLEC-Related Epidermolysis Bullosa with Pyloric Atresia; Epidermolysis bullosa simplex with pyloric atresia; PLEC1-Related Epidermolysis Bullosa with Pyloric Atresia. Identifiers: Orphanet 158684, MedGen C2677349, MONDO:0012807, OMIM 612138.
Epidermolysis bullosa simplex 5B, with muscular dystrophy (EBS5B). Also called: Epidermolysis bullosa simplex with muscular dystrophy; EPIDERMOLYSIS BULLOSA SIMPLEX AND LIMB-GIRDLE MUSCULAR DYSTROPHY. Identifiers: Orphanet 257, MedGen C2931072, MONDO:0009181, OMIM 226670.
Epidermolysis bullosa simplex, Ogna type (EBS5A). Also called: Pidermolysis bullosa simplex 5A, Ogna type; EPIDERMOLYSIS BULLOSA SIMPLEX 5A, OGNA TYPE. Identifiers: Orphanet 79401, MedGen C0432317, MONDO:0007555, OMIM 131950.
Autosomal recessive limb-girdle muscular dystrophy type 2Q (LGMDR17). Also called: MUSCULAR DYSTROPHY, LIMB-GIRDLE, AUTOSOMAL RECESSIVE 17. Identifiers: Orphanet 254361, MedGen C3150989, MONDO:0013390, OMIM 613723.
Epidermolysis bullosa simplex with nail dystrophy (EBS5D). Identifiers: MedGen C4225309, MONDO:0014661, OMIM 616487.

Allele frequency attached by ClinVar (database versions not stated): TOPMed 0.00001; gnomAD 0.00002; gnomAD exomes 0.00003; ExAC 0.00005.
gnomAD v4.1: 48 of 1,584,514 alleles (0.003%); highest among the groups gnomAD compares: South Asian, 0.052%; no homozygotes.

Submission:

Labcorp Genetics (formerly Invitae), Labcorp
Classification: Uncertain significance for Autosomal recessive limb-girdle muscular dystrophy type 2Q; Epidermolysis bullosa simplex, Ogna type; Epidermolysis bullosa simplex with nail dystrophy; Epidermolysis bullosa simplex 5C, with pyloric atresia; Epidermolysis bullosa simplex 5B, with muscular dystrophy. Last evaluated: 2025-10-26. Review status: criteria provided, single submitter. Criteria: Invitae Variant Classification Sherloc (09022015). Collection method: clinical testing. Allele origin: germline.
Comment: This sequence change replaces threonine, which is neutral and polar, with alanine, which is neutral and non-polar, at codon 3422 of the PLEC protein (p.Thr3422Ala). This variant is present in population databases (rs113792813, gnomAD 0.04%). This variant has not been reported in the literature in individuals affected with PLEC-related conditions. ClinVar contains an entry for this variant (Variation ID: 2096382). Invitae Evidence Modeling of protein sequence and biophysical properties (such as structural, functional, and spatial information, amino acid conservation, physicochemical variation, residue mobility, and thermodynamic stability) has been performed for this missense variant. However, the output from this modeling did not meet the statistical confidence thresholds required to predict the impact of this variant on PLEC protein function. In summary, the available evidence is currently insufficient to determine the role of this variant in disease. Therefore, it has been classified as a Variant of Uncertain Significance.